The following is an entry in ClinVar:

ClinVar aggregate classification (germline): Uncertain significance. Review status: criteria provided, multiple submitters, no conflicts (2 of 4 stars). 2 submissions from 2 submitters: Uncertain significance (2). Last evaluated 2026-01-20.

Conditions:
Candidiasis, familial, 9 (CANDF9). Identifiers: Orphanet 1334, MedGen C4225324, MONDO:0014642, OMIM 616445.

Allele frequency attached by ClinVar (database versions not stated): TOPMed 0.00005; gnomAD 0.00006 and 0.00007; ExAC 0.00007; gnomAD exomes 0.00008; ESP Exome Variant Server 0.00015.
gnomAD v4.1: 137 of 1,614,096 alleles (0.0085%); highest among the groups gnomAD compares: Non-Finnish European, 0.011%; no homozygotes.

Submissions (2):

Labcorp Genetics (formerly Invitae), Labcorp
Classification: Uncertain significance for Candidiasis, familial, 9. Last evaluated: 2026-01-20. Review status: criteria provided, single submitter. Criteria: Invitae Variant Classification Sherloc (09022015). Collection method: clinical testing. Allele origin: germline.
Comment: This sequence change replaces histidine, which is basic and polar, with asparagine, which is neutral and polar, at codon 303 of the IL17RC protein (p.His303Asn). This variant is present in population databases (rs146883038, gnomAD 0.01%). This variant has not been reported in the literature in individuals affected with IL17RC-related conditions. ClinVar contains an entry for this variant (Variation ID: 1434312). An algorithm developed to predict the effect of missense changes on protein structure and function outputs the following: PolyPhen-2: "Benign". The asparagine amino acid residue is found in multiple mammalian species, which suggests that this missense change does not adversely affect protein function. In summary, the available evidence is currently insufficient to determine the role of this variant in disease. Therefore, it has been classified as a Variant of Uncertain Significance.

Mayo Clinic Laboratories, Mayo Clinic
Classification: Uncertain significance. Last evaluated: 2024-06-18. Review status: criteria provided, single submitter. Criteria: ACMG Guidelines, 2015. Collection method: clinical testing. Allele origin: germline. Observed: 1 variant allele.
Comment: BP4

NM_153460.4(IL17RC):c.694C>A (p.His232Asn)

Gene: IL17RC (interleukin 17 receptor C; plus strand). Cytogenetic location: 3p25.3.
Variant type: single nucleotide variant.
Coding change: c.694C>A on transcript NM_153460.4 (MANE Select); coding-DNA position 694, C replaced by A.
Protein change: p.His232Asn; replaces histidine 232 with asparagine.
Molecular consequence: missense variant. On other transcripts: non-coding transcript variant (1).
Genome position (GRCh38, 1-based): chr3:9,923,952, C>A. VCF-style: chr3-9923952-C-A. GRCh37 (hg19) VCF-style: chr3-9965636-C-A.
Other names: p.His303Asn; c.694C>A, p.His232Asn (NM_001203263.2, NM_001203264.2, NM_001367278.1); c.649C>A, p.His217Asn (NM_001203265.2, NM_001367280.1, NM_032732.6); c.574C>A, p.His192Asn (NM_001367279.1); c.907C>A, p.His303Asn (NM_153461.4); short protein forms H192N, H232N, H303N, H217N.
Identifiers: ClinVar variation 1434312 (VCV001434312.9), dbSNP rs146883038, ClinGen allele CA2246927.